The following is an entry in ClinVar:

ClinVar aggregate classification (germline): Conflicting classifications of pathogenicity. Review status: criteria provided, conflicting classifications (1 of 4 stars). 2 submissions from 2 submitters: Uncertain significance (1); Likely benign (1). Last evaluated 2023-07-16.

Conditions:
Severe combined immunodeficiency due to DNA-PKcs deficiency. Also called: IMMUNODEFICIENCY 26 WITH NEUROLOGIC ABNORMALITIES; Immunodeficiency 26 with or without neurologic abnormalities. Identifiers: Orphanet 317425, MedGen C4014833, MONDO:0014423, OMIM 615966.

Submissions (2):

Ambry Genetics
Classification: Likely benign. Last evaluated: 2023-07-16. Review status: criteria provided, single submitter. Criteria: Ambry Variant Classification Scheme 2023. Collection method: clinical testing. Allele origin: germline.

Labcorp Genetics (formerly Invitae), Labcorp
Classification: Uncertain significance for Severe combined immunodeficiency due to DNA-PKcs deficiency. Last evaluated: 2021-12-02. Review status: criteria provided, single submitter. Criteria: Invitae Variant Classification Sherloc (09022015). Collection method: clinical testing. Allele origin: germline.
Comment: This sequence change affects codon 104 of the PRKDC mRNA. It is a 'silent' change, meaning that it does not change the encoded amino acid sequence of the PRKDC protein. This variant is not present in population databases (gnomAD no frequency). This variant has not been reported in the literature in individuals affected with PRKDC-related conditions. Algorithms developed to predict the effect of sequence changes on RNA splicing suggest that this variant may create or strengthen a splice site. In summary, the available evidence is currently insufficient to determine the role of this variant in disease. Therefore, it has been classified as a Variant of Uncertain Significance.

NM_006904.7(PRKDC):c.312T>A (p.Ser104=)

Gene: PRKDC (protein kinase, DNA-activated, catalytic subunit; minus strand). Cytogenetic location: 8q11.21.
Variant type: single nucleotide variant.
Coding change: c.312T>A on transcript NM_006904.7 (MANE Select); coding-DNA position 312, T replaced by A.
Protein change: p.Ser104=; no amino-acid change (serine 104 retained).
Molecular consequence: synonymous variant.
Genome position (GRCh38, 1-based): chr8:47,957,183, A>T on the plus strand (T>A on the coding strand, the complement: PRKDC is on the minus strand). VCF-style: chr8-47957183-A-T. GRCh37 (hg19) VCF-style: chr8-48869743-A-T.
Other names: c.312T>A, p.Ser104= (NM_001081640.2); c.312T>A (NM_006904.6).
Identifiers: ClinVar variation 1510530 (VCV001510530.6), dbSNP rs1308530637, ClinGen allele CA460610465.
Genomic context (GRCh38, chr8:47,957,183, plus strand): 5'-AACAGATGTTGATATATAATGTAATAAGGTATGTTTTTTAATTCTTACCTTAATTTCAAC[A>T]GAGTAAGGTGCGATCTTCTGGCCCATTTTTTCTAAGAAAATACATAAAAACTTTAGGATT-3'
Protein context (NP_008835.5, residues 94-114): EKMGQKIAPY[Ser104=]VEIKNTCTSV